The following is an entry in ClinVar:

ClinVar aggregate classification (germline): Pathogenic (1 of 4 stars; one submission).

Conditions:
Vici syndrome (VICIS). Identifiers: Orphanet 1493, MedGen C1855772, MONDO:0009452, OMIM 242840.

Submission:

Labcorp Genetics (formerly Invitae), Labcorp
Classification: Pathogenic for Vici syndrome. Last evaluated: 2024-03-18. Review status: criteria provided, single submitter. Criteria: Invitae Variant Classification Sherloc (09022015). Collection method: clinical testing. Allele origin: germline.
Comment: This sequence change creates a premature translational stop signal (p.Phe1245*) in the EPG5 gene. It is expected to result in an absent or disrupted protein product. Loss-of-function variants in EPG5 are known to be pathogenic (PMID: 23222957, 23674064). This variant is not present in population databases (gnomAD no frequency). This variant has not been reported in the literature in individuals affected with EPG5-related conditions. For these reasons, this variant has been classified as Pathogenic.

Literature cited by the submitters: PubMed 23222957; PubMed 23674064.

NM_020964.3(EPG5):c.3734_3735del (p.Ile1244_Phe1245insTer)

Gene: EPG5 (ectopic P-granules 5 autophagy tethering factor; minus strand). Cytogenetic location: 18q21.1.
Variant type: Deletion.
Coding change: c.3734_3735del on transcript NM_020964.3 (MANE Select); coding-DNA positions 3734 to 3735, 2 bases deleted (TT; older notation c.3734_3735delTT).
Protein change: p.Ile1244_Phe1245insTer.
Molecular consequence: nonsense.
Genome position (GRCh38, 1-based): chr18:45,913,787-45,913,788, AA deleted on the plus strand (TT on the coding strand, the reverse complement: EPG5 is on the minus strand); deleting any 2 consecutive bases within chr18:45,913,787-45,913,789 gives the same sequence; the c. name uses the placement nearest the transcript's 3' end. VCF-style (leftmost placement, unchanged base first): chr18-45913786-CAA-C. GRCh37 (hg19) VCF-style: chr18-43493751-CAA-C.
Other names: c.3734_3735del, p.Ile1244_Phe1245insTer (NM_001410858.1, NM_001410859.1).
Identifiers: ClinVar variation 3646608 (VCV003646608.2).